The following is an entry in ClinVar:

ClinVar aggregate classification (germline): Uncertain significance (1 of 4 stars; one submission).

gnomAD v4.1: 1 of 1,613,078 alleles (0.000062%); highest among the groups gnomAD compares: Non-Finnish European, 0.000085%; no homozygotes.

Submission:

Labcorp Genetics (formerly Invitae), Labcorp
Classification: Uncertain significance. Last evaluated: 2022-08-07. Review status: criteria provided, single submitter. Criteria: Invitae Variant Classification Sherloc (09022015). Collection method: clinical testing. Allele origin: germline.
Comment: This sequence change replaces isoleucine, which is neutral and non-polar, with phenylalanine, which is neutral and non-polar, at codon 214 of the PLAA protein (p.Ile214Phe). This variant is not present in population databases (gnomAD no frequency). This variant has not been reported in the literature in individuals affected with PLAA-related conditions. Algorithms developed to predict the effect of missense changes on protein structure and function are either unavailable or do not agree on the potential impact of this missense change (SIFT: "Deleterious"; PolyPhen-2: "Possibly Damaging"; Align-GVGD: "Class C0"). In summary, the available evidence is currently insufficient to determine the role of this variant in disease. Therefore, it has been classified as a Variant of Uncertain Significance.

NM_001031689.3(PLAA):c.640A>T (p.Ile214Phe)

Gene: PLAA (phospholipase A2 activating protein; minus strand). Cytogenetic location: 9p21.2.
Variant type: single nucleotide variant.
Coding change: c.640A>T on transcript NM_001031689.3 (MANE Select); coding-DNA position 640, A replaced by T.
Protein change: p.Ile214Phe; replaces isoleucine 214 with phenylalanine.
Molecular consequence: missense variant.
Genome position (GRCh38, 1-based): chr9:26,926,486, T>A on the plus strand (A>T on the coding strand, the complement: PLAA is on the minus strand). VCF-style: chr9-26926486-T-A. GRCh37 (hg19) VCF-style: chr9-26926484-T-A.
Other names: c.640A>T, p.Ile214Phe (NM_001321546.2); short protein forms I214F.
Identifiers: ClinVar variation 2012987 (VCV002012987.4), dbSNP rs2489205754, ClinGen allele CA373133637.